The following is an entry in ClinVar:

ClinVar aggregate classification (germline): Conflicting classifications of pathogenicity. Review status: criteria provided, conflicting classifications (1 of 4 stars). 8 submissions from 7 submitters: Uncertain significance (2); Likely benign (6). Last evaluated 2026-06-01.

Conditions:
RYR1-related disorder. Also called: RYR1-related condition; RYR1-related disorders. Identifiers: MedGen CN239331.
Malignant hyperthermia, susceptibility to, 1 (MHS1). Also called: Malignant hyperthermia suceptibility 1; RYR1-Related Malignant Hyperthermia Susceptibility; Anesthesia related hyperthermia; Malignant hyperpyrexia; Fulminating hyperpyrexia; Pharmacogenic myopathy. Identifiers: Orphanet 423, MedGen C2930980, MONDO:0007783, OMIM 145600.
Congenital multicore myopathy with external ophthalmoplegia (CMYO1B). Also called: Minicore myopathy with external ophthalmoplegia; MULTIMINICORE DISEASE WITH EXTERNAL OPHTHALMOPLEGIA; Congenital myopathy 1B, autosomal recessive; Minicore myopathy; MULTICORE MYOPATHY. Identifiers: Orphanet 598, Orphanet 98905, MedGen C1850674, MONDO:0009712, OMIM 255320, HP:0003789.

Allele frequency attached by ClinVar (database versions not stated): gnomAD exomes 0.00002; ExAC 0.00005; gnomAD 0.00005; TOPMed 0.00006; 1000 Genomes Project 30x 0.00016; 1000 Genomes Project 0.00020.
gnomAD v4.1: 33 of 1,593,208 alleles (0.0021%); highest among the groups gnomAD compares: East Asian, 0.0068%; no homozygotes.

Submissions (8):

CeGaT Center for Human Genetics Tuebingen
Classification: Likely benign. Last evaluated: 2026-06-01. Review status: criteria provided, single submitter. Criteria: CeGaT Center For Human Genetics Tuebingen Variant Classification Criteria Version 2. Collection method: clinical testing. Allele origin: germline. Affected: yes. Observed: 2 variant alleles.
Comment: RYR1: BP4, BP7

PreventionGenetics, part of Exact Sciences
Classification: Likely benign for RYR1-related condition. Last evaluated: 2025-06-25. Review status: criteria provided, single submitter. Criteria: ACMG Guidelines, 2015. Collection method: clinical testing. Allele origin: germline.
Comment: This variant is classified as likely benign based on ACMG/AMP sequence variant interpretation guidelines (Richards et al. 2015 PMID: 25741868, with internal and published modifications).

Labcorp Genetics (formerly Invitae), Labcorp
Classification: Likely benign for RYR1-related disorder. Last evaluated: 2025-06-20. Review status: criteria provided, single submitter. Criteria: Invitae Variant Classification Sherloc (09022015). Collection method: clinical testing. Allele origin: germline.

Blueprint Genetics
Classification: Likely benign. Last evaluated: 2024-09-23. Review status: criteria provided, single submitter. Criteria: ACMG Guidelines, 2015. Collection method: clinical testing. Allele origin: germline.

All of Us Research Program, National Institutes of Health
Classification: Likely benign for Malignant hyperthermia, susceptibility to, 1. Last evaluated: 2023-10-27. Review status: criteria provided, single submitter. Criteria: ACMG Guidelines, 2015. Collection method: clinical testing. Allele origin: germline. Inheritance: Autosomal dominant inheritance. Observed: 8 variant alleles, 8 heterozygotes.
Comment: This study involves interpretation of variants in research participants for the purpose of population health screening. Participant phenotype was not available at the time of variant classification. Additional details can be found in publication PMID: 35346344, PMCID: PMC8962531

Color Diagnostics, LLC DBA Color Health
Classification: Likely benign for Malignant hyperthermia, susceptibility to, 1. Last evaluated: 2022-11-06. Review status: criteria provided, single submitter. Criteria: ACMG Guidelines, 2015. Collection method: clinical testing. Allele origin: germline.

Illumina Laboratory Services, Illumina
Classification: Uncertain significance for Congenital multicore myopathy with external ophthalmoplegia. Last evaluated: 2018-01-13. Review status: criteria provided, single submitter. Criteria: ICSL Variant Classification Criteria 13 December 2019. Collection method: clinical testing. Allele origin: germline.

Illumina Laboratory Services, Illumina
Classification: Uncertain significance for Malignant hyperthermia, susceptibility to, 1. Last evaluated: 2018-01-13. Review status: criteria provided, single submitter. Criteria: ICSL Variant Classification Criteria 13 December 2019. Collection method: clinical testing. Allele origin: germline.

NM_000540.3(RYR1):c.2835G>A (p.Ala945=)

Gene: RYR1 (ryanodine receptor 1; plus strand). Cytogenetic location: 19q13.2.
Variant type: single nucleotide variant.
Coding change: c.2835G>A on transcript NM_000540.3 (MANE Select); coding-DNA position 2835, G replaced by A.
Protein change: p.Ala945=; no amino-acid change (alanine 945 retained).
Molecular consequence: synonymous variant.
Genome position (GRCh38, 1-based): chr19:38,464,687, G>A. VCF-style: chr19-38464687-G-A. GRCh37 (hg19) VCF-style: chr19-38955327-G-A.
Other names: c.2835G>A, p.Ala945= (NM_001042723.2).
Identifiers: ClinVar variation 329001 (VCV000329001.37), dbSNP rs576990255, ClinGen allele CA064089.